The following is an entry in ClinVar:

ClinVar aggregate classification (germline): Benign. Review status: criteria provided, single submitter (1 of 4 stars). 2 submissions from 2 submitters: Benign (1). 1 of the submissions does not count toward it. Last evaluated 2026-09-01.

Conditions:
KCNQ1-related disorder. Also called: KCNQ1-related disorders; KCNQ1-related condition. Identifiers: MedGen CN239322.

Allele frequency attached by ClinVar (database versions not stated): 1000 Genomes Project 0.00040; 1000 Genomes Project 30x 0.00047; gnomAD 0.00213 and 0.00219; TOPMed 0.00224; gnomAD exomes 0.00230.
gnomAD v4.1: 892 of 398,698 alleles (0.22%); highest among the groups gnomAD compares: Admixed American, 0.44%; 1 homozygote.

Submissions (2):

CeGaT Center for Human Genetics Tuebingen
Classification: Benign. Last evaluated: 2026-09-01. Review status: criteria provided, single submitter. Criteria: CeGaT Center For Human Genetics Tuebingen Variant Classification Criteria Version 2. Collection method: clinical testing. Allele origin: germline. Affected: yes. Observed: 16 variant alleles.
Comment: KCNQ1OT1: BS1, BS2

PreventionGenetics, part of Exact Sciences
Classification: Likely benign for KCNQ1-related condition. Last evaluated: 2020-06-30. Review status: no assertion criteria provided. Collection method: clinical testing. Allele origin: germline. Not counted in ClinVar's aggregate classification.
Comment: This variant is classified as likely benign based on ACMG/AMP sequence variant interpretation guidelines (Richards et al. 2015 PMID: 25741868, with internal and published modifications).

NM_000218.3(KCNQ1):c.1514+10580T>C

Genes: KCNQ1 (potassium voltage-gated channel subfamily Q member 1; plus strand), KCNQ1OT1 (KCNQ1 opposite strand/antisense transcript 1; minus strand). Cytogenetic location: 11p15.5.
Variant type: single nucleotide variant.
Coding change: c.1514+10580T>C on transcript NM_000218.3 (MANE Select); 10580 bases into the intron after coding-DNA position 1514, T replaced by C.
Molecular consequence: intron variant.
Genome position (GRCh38, 1-based): chr11:2,672,661, T>C. VCF-style: chr11-2672661-T-C. GRCh37 (hg19) VCF-style: chr11-2693891-T-C.
Other names: c.1244+10580T>C (NM_001406837.1); c.1418+10580T>C (NM_001406836.1); c.974+10580T>C (NM_001406838.1); c.1133+10580T>C (NM_181798.2); c.1514+10580T>C (NM_000218.2).
Identifiers: ClinVar variation 1694620 (VCV001694620.32), dbSNP rs537598032, ClinGen allele CA216178777.